The following is an entry in ClinVar:

ClinVar aggregate classification (germline): Uncertain significance (1 of 4 stars; one submission).

gnomAD v4.1: 1 of 1,613,682 alleles (0.000062%); highest among the groups gnomAD compares: Non-Finnish European, 0.000085%; no homozygotes.

Submission:

Greenwood Genetic Center Diagnostic Laboratories, Greenwood Genetic Center
Classification: Uncertain significance. Last evaluated: 2025-10-09. Review status: criteria provided, single submitter. Criteria: ACMG Guidelines, 2015. Collection method: clinical testing. Allele origin: germline. Affected: yes.
Comment: PM2

NM_007118.4(TRIO):c.2576T>C (p.Val859Ala)

Gene: TRIO (trio Rho guanine nucleotide exchange factor; plus strand). Cytogenetic location: 5p15.2.
Variant type: single nucleotide variant.
Coding change: c.2576T>C on transcript NM_007118.4 (MANE Select); coding-DNA position 2576, T replaced by C.
Protein change: p.Val859Ala; replaces valine 859 with alanine.
Molecular consequence: missense variant. On other transcripts: non-coding transcript variant (1).
Genome position (GRCh38, 1-based): chr5:14,363,916, T>C. VCF-style: chr5-14363916-T-C. GRCh37 (hg19) VCF-style: chr5-14364025-T-C.
Other names: short protein forms V859A.
Identifiers: ClinVar variation 4845554 (VCV004845554.1).
Genomic context (GRCh38, chr5:14,363,916, plus strand): 5'-ACAACTTGACTTTTGACGTCATCCACCAAGGGCAAGATCTTCTGCAGTATGTCAATGAGG[T>C]CCAGGCCTCTGGTAAGAGGGCTCACTCCATCTGTGTCCGTTGTGATTTCTTCATGTCGTC-3'
Protein context (NP_009049.2, residues 849-869): GQDLLQYVNE[Val859Ala]QASGVELLCD